The following is an entry in ClinVar:

NM_031407.7(HUWE1):c.7630G>A (p.Gly2544Arg)

Gene: HUWE1 (HECT, UBA and WWE domain containing E3 ubiquitin protein ligase 1; minus strand). Cytogenetic location: Xp11.22.
Variant type: single nucleotide variant.
Coding change: c.7630G>A on transcript NM_031407.7 (MANE Select); coding-DNA position 7630, G replaced by A.
Protein change: p.Gly2544Arg; replaces glycine 2544 with arginine.
Molecular consequence: missense variant.
Genome position (GRCh38, 1-based): chrX:53,560,294, C>T on the plus strand (G>A on the coding strand, the complement: HUWE1 is on the minus strand). VCF-style: chrX-53560294-C-T. GRCh37 (hg19) VCF-style: chrX-53587255-C-T.
Other names: c.7627G>A, p.Gly2543Arg (NM_001441048.1, NM_001441051.1, NM_001441053.1 and 2 more transcripts); c.7630G>A, p.Gly2544Arg (NM_001441049.1, NM_001441054.1, NM_001441057.1); c.7651G>A, p.Gly2551Arg (NM_001441050.1, NM_001441055.1); c.7228G>A, p.Gly2410Arg (NM_001441052.1); short protein forms G2543R, G2544R, G2410R, G2551R.
Identifiers: ClinVar variation 5009495 (VCV005009495.1).

ClinVar aggregate classification (germline): Uncertain significance (1 of 4 stars; one submission).

Submission:

GeneDx
Classification: Uncertain significance. Last evaluated: 2026-03-19. Review status: criteria provided, single submitter. Criteria: GeneDx Variant Classification Process June 2021. Collection method: clinical testing. Allele origin: germline.
Comment: Has not been previously published as pathogenic or benign to our knowledge; Not observed at significant frequency in large population cohorts (gnomAD); In silico analysis suggests that this missense variant does not alter protein structure/function